The following is an entry in ClinVar:

NM_000052.7(ATP7A):c.905T>G (p.Leu302Arg)

Gene: ATP7A (ATPase copper transporting alpha; plus strand). Cytogenetic location: Xq21.1.
Variant type: single nucleotide variant.
Coding change: c.905T>G on transcript NM_000052.7 (MANE Select); coding-DNA position 905, T replaced by G.
Protein change: p.Leu302Arg; replaces leucine 302 with arginine.
Molecular consequence: missense variant.
Genome position (GRCh38, 1-based): chrX:77,989,527, T>G. VCF-style: chrX-77989527-T-G. GRCh37 (hg19) VCF-style: chrX-77245023-T-G.
Other names: c.905T>G, p.Leu302Arg (NM_001282224.2); short protein forms L302R.
Identifiers: ClinVar variation 1314994 (VCV001314994.2), dbSNP rs2149083172, ClinGen allele CA413601385.

ClinVar aggregate classification (germline): Uncertain significance (1 of 4 stars; one submission).

Submission:

GeneDx
Classification: Uncertain significance. Last evaluated: 2020-01-21. Review status: criteria provided, single submitter. Criteria: GeneDx Variant Classification Process June 2021. Collection method: clinical testing. Allele origin: germline. Affected: yes.
Comment: Not observed in large population cohorts (Lek et al., 2016); In silico analysis, which includes protein predictors and evolutionary conservation, supports a deleterious effect; Has not been previously published as pathogenic or benign to our knowledge